The following is an entry in ClinVar:

NM_015338.6(ASXL1):c.2824G>C (p.Gly942Arg)

Gene: ASXL1 (ASXL transcriptional regulator 1; plus strand). Cytogenetic location: 20q11.21.
Variant type: single nucleotide variant.
Coding change: c.2824G>C on transcript NM_015338.6 (MANE Select); coding-DNA position 2824, G replaced by C.
Protein change: p.Gly942Arg; replaces glycine 942 with arginine.
Molecular consequence: missense variant.
Genome position (GRCh38, 1-based): chr20:32,435,536, G>C. VCF-style: chr20-32435536-G-C. GRCh37 (hg19) VCF-style: chr20-31023339-G-C.
Other names: c.2641G>C, p.Gly881Arg (NM_001363734.1); short protein forms G942R, G881R.
Identifiers: ClinVar variation 4158644 (VCV004158644.1).
Genomic context (GRCh38, chr20:32,435,536, plus strand): 5'-GTTGAGCCCCAGGTTGGAGAGGAGTGGGAGAAAGCTGCTCCCACCCCTCCTGCATTGCCT[G>C]GGGATTTGACAGCTGAGGAGGGTCTAGATCCTCTTGACAGCCTTACTTCACTCTGGACTG-3'
Protein context (NP_056153.2, residues 932-952): KAAPTPPALP[Gly942Arg]DLTAEEGLDP

ClinVar aggregate classification (germline): Uncertain significance (1 of 4 stars; one submission).

Conditions:
Inborn genetic diseases. Identifiers: MedGen C0950123, MeSH D030342.

Submission:

Ambry Genetics
Classification: Uncertain significance for Inborn genetic diseases. Last evaluated: 2025-08-03. Review status: criteria provided, single submitter. Criteria: Ambry Variant Classification Scheme 2023. Collection method: clinical testing. Allele origin: germline.
Comment: The p.G942R variant (also known as c.2824G>C), located in coding exon 13 of the ASXL1 gene, results from a G to C substitution at nucleotide position 2824. The glycine at codon 942 is replaced by arginine, an amino acid with dissimilar properties. This amino acid position is conserved. In addition, this alteration is predicted to be tolerated by in silico analysis. Based on the available evidence, the clinical significance of this variant remains unclear.